The following is an entry in ClinVar:

NC_000004.11:g.(?_108911069)_(108955533_?)dup

Gene: HADH (hydroxyacyl-CoA dehydrogenase; plus strand). Cytogenetic location: 4q25.
Variant type: Duplication.
Identifiers: ClinVar variation 1020269 (VCV001020269.1).

ClinVar aggregate classification (germline): Uncertain significance (1 of 4 stars; one submission).

Conditions:
Deficiency of 3-hydroxyacyl-CoA dehydrogenase. Also called: HADH DEFICIENCY; 3-hydroxyacyl-CoA dehydrogenase deficiency. Identifiers: Orphanet 309127, Orphanet 71212, MedGen C1291230, MONDO:0017715, OMIM 231530.

Submission:

Labcorp Genetics (formerly Invitae), Labcorp
Classification: Uncertain significance for Deficiency of 3-hydroxyacyl-CoA dehydrogenase. Last evaluated: 2020-03-29. Review status: criteria provided, single submitter. Criteria: Invitae Variant Classification Sherloc (09022015). Collection method: clinical testing. Allele origin: germline.
Comment: This variant results in a copy number gain of the genomic region encompassing the full coding sequence of the HADH gene. The boundaries of this event are unknown as they extend beyond the assayed region for this gene and therefore may encompass additional genes. As the precise location of this event is unknown, it may be in tandem or it may be located elsewhere in the genome. This variant has not been reported in the literature in individuals with HADH-related conditions. In summary, the available evidence is currently insufficient to determine the role of this variant in disease. Therefore, it has been classified as a Variant of Uncertain Significance.